The following is an entry in ClinVar:

NM_000558.5(HBA1):c.104T>G (p.Leu35Arg)

Genes: HBA1 (hemoglobin subunit alpha 1; plus strand), LOC106804613 (hemoglobin subunit alpha 1 recombination region; plus strand). Cytogenetic location: 16p13.3.
Variant type: single nucleotide variant.
Coding change: c.104T>G on transcript NM_000558.5 (MANE Select); coding-DNA position 104, T replaced by G.
Protein change: p.Leu35Arg; replaces leucine 35 with arginine.
Molecular consequence: missense variant.
Genome position (GRCh38, 1-based): chr16:176,937, T>G. VCF-style: chr16-176937-T-G. GRCh37 (hg19) VCF-style: chr16-226936-T-G.
Other names: L34R; c.104T>G (NM_000558.4); short protein forms L35R.
Identifiers: ClinVar variation 15795 (VCV000015795.22), dbSNP rs35203445, ClinGen allele CA125851.

ClinVar aggregate classification (germline): Uncertain significance. Review status: criteria provided, multiple submitters, no conflicts (2 of 4 stars). 5 submissions from 4 submitters: Uncertain significance (3). 2 of the submissions do not count toward it. Last evaluated 2026-05-25.

Conditions:
HEMOGLOBIN OGI.
HEMOGLOBIN QUEENS.

Submissions (5):

GeneDx
Classification: Uncertain significance. Last evaluated: 2026-05-25. Review status: criteria provided, single submitter. Criteria: GeneDx Variant Classification Process June 2021. Collection method: clinical testing. Allele origin: germline.
Comment: Not observed at significant frequency in large population cohorts (gnomAD); In silico analysis suggests that this missense variant does not alter protein structure/function; Reported as alpha34 (B15) Leu-Arg (Hb Queens) in healthy individuals in the published literature (PMID: 1299245, 23806067); This variant is associated with the following publications: (PMID: 29626415, 24985555, 2752146, 7055587, 25669128, 7158628, 26824843, 23402770, 7096112, 1299245, 3446653, 23806067, 31164695, 38649425)

Quest Diagnostics Nichols Institute San Juan Capistrano
Classification: Uncertain significance. Last evaluated: 2024-12-03. Review status: criteria provided, single submitter. Criteria: Quest Diagnostics criteria. Collection method: clinical testing. Allele origin: unknown.
Comment: The HBA1 c.104T>G (p.Leu35Arg) variant, also known as Hb Queens, has been reported as a common variant in China (PMID: 31164695 (2019)). Individuals heterozygous for this variant are reported to have a normal clinical presentation (HbVar). In addition, this variant is reported to have slightly increased oxygen affinity and is mildly unstable (PMID: 3446653 (1987) and HbVar). In the published literature, the variant has been detected in individuals with no hematological symptoms except a mild anemia in some cases (PMIDs: 7096112 (1982), 3446653 (1987), 1299245 (1992), 23806067 (2013), and 24985555 (2014)). It has also been observed in an individual with microcytosis and borderline anemia however these clinical symptoms were possibly related to being also homozygous for Hb E (PMID: 7158628 (1982)). This variant has not been reported in large, multi-ethnic general populations (Genome Aggregation Database.). Based on the available information, we are unable to determine the clinical significance of this variant.

ARUP Laboratories, Molecular Genetics and Genomics, ARUP Laboratories
Classification: Uncertain significance. Last evaluated: 2024-03-08. Review status: criteria provided, single submitter. Criteria: ARUP Molecular Germline Variant Investigation Process 2024. Collection method: clinical testing. Allele origin: germline.
Comment: The Hb Queens variant (HBA1: c.104T>G; p.Leu35Arg, also known as Leu34Arg when numbered from the mature protein, rs35203445) has been reported heterozygously in multiple individuals with no associated clinical symptoms (Lee 1992, Lin 2013, see HbVar database). However, it has been reported as mildly unstable (HbVar database), and its impact in the presence of pathogenic alpha globin variants is uncertain. This variant is reported in ClinVar (Variation ID: 15795) and is absent from the Genome Aggregation Database, indicating it is not a common polymorphism. The leucine at codon 35 is weakly conserved, and computational analyses are uncertain whether this variant is neutral or deleterious (REVEL: 0.614). Due to limited information, the clinical significance of this variant is uncertain at this time. References: Link to HbVar database: Lee N et al. A family case of beta-thalassemia minor and hemoglobin Queens: alpha 34 (B15) Leu-Arg. J Korean Med Sci. 1992; 7(4):385-8. PMID: 1299245. Lin M et al. Molecular epidemiological survey of hemoglobinopathies in the Wuxi region of Jiangsu Province, eastern China. Hemoglobin. 2013; 37(5):454-66. PMID: 23806067.

OMIM
Classification: other for HEMOGLOBIN OGI. Last evaluated: 2016-07-20. Review status: no assertion criteria provided. Collection method: literature only. Allele origin: germline. Not counted in ClinVar's aggregate classification.

OMIM
Classification: other for HEMOGLOBIN QUEENS. Last evaluated: 2016-07-20. Review status: no assertion criteria provided. Collection method: literature only. Allele origin: germline. Not counted in ClinVar's aggregate classification.

Literature cited by the submitters: PubMed 23806067 (cited by Quest Diagnostics Nichols Institute San Juan Capistrano); PubMed 25669128 (cited by Quest Diagnostics Nichols Institute San Juan Capistrano); PubMed 24985555 (cited by Quest Diagnostics Nichols Institute San Juan Capistrano); PubMed 17014836 (cited by Quest Diagnostics Nichols Institute San Juan Capistrano); PubMed 7096112 (cited by Quest Diagnostics Nichols Institute San Juan Capistrano); PubMed 31164695 (cited by Quest Diagnostics Nichols Institute San Juan Capistrano); PubMed 7158628 (cited by Quest Diagnostics Nichols Institute San Juan Capistrano and OMIM); PubMed 1299245 (cited by Quest Diagnostics Nichols Institute San Juan Capistrano); PubMed 3446653 (cited by Quest Diagnostics Nichols Institute San Juan Capistrano and OMIM); PubMed 36695330 (cited by Quest Diagnostics Nichols Institute San Juan Capistrano); PubMed 29626415 (cited by Quest Diagnostics Nichols Institute San Juan Capistrano); PubMed 7055587 (cited by OMIM); PubMed 2752146 (cited by OMIM).